The following is an entry in ClinVar:

ClinVar aggregate classification (germline): Likely pathogenic (1 of 4 stars; one submission).

Conditions:
Mucopolysaccharidosis type 6 (MPS6). Also called: ARSB DEFICIENCY; ARYLSULFATASE B DEFICIENCY; MPS VI; MPS 6; N-ACETYLGALACTOSAMINE-4-SULFATASE DEFICIENCY; Maroteaux Lamy syndrome. Identifiers: Orphanet 583, MedGen C0026709, MONDO:0009661, OMIM 253200.

Submission:

Labcorp Genetics (formerly Invitae), Labcorp
Classification: Likely pathogenic for Mucopolysaccharidosis type 6. Last evaluated: 2023-04-05. Review status: criteria provided, single submitter. Criteria: Invitae Variant Classification Sherloc (09022015). Collection method: clinical testing. Allele origin: germline.
Comment: This sequence change replaces glycine, which is neutral and non-polar, with arginine, which is basic and polar, at codon 56 of the ARSB protein (p.Gly56Arg). This variant is not present in population databases (gnomAD no frequency). This missense change has been observed in individual(s) with ARSB-related conditions (Invitae). ClinVar contains an entry for this variant (Variation ID: 1719832). Advanced modeling of protein sequence and biophysical properties (such as structural, functional, and spatial information, amino acid conservation, physicochemical variation, residue mobility, and thermodynamic stability) performed at Invitae indicates that this missense variant is expected to disrupt ARSB protein function. This variant disrupts the p.Gly56 amino acid residue in ARSB. Other variant(s) that disrupt this residue have been observed in individuals with ARSB-related conditions (PMID: 24798265), which suggests that this may be a clinically significant amino acid residue. In summary, the currently available evidence indicates that the variant is pathogenic, but additional data are needed to prove that conclusively. Therefore, this variant has been classified as Likely Pathogenic.

Literature cited by the submitters: PubMed 24798265.

NM_000046.5(ARSB):c.166G>C (p.Gly56Arg)

Genes: ARSB (arylsulfatase B; minus strand), LOC129994126 (ATAC-STARR-seq lymphoblastoid silent region 16127; plus strand). Cytogenetic location: 5q14.1.
Variant type: single nucleotide variant.
Coding change: c.166G>C on transcript NM_000046.5 (MANE Select); coding-DNA position 166, G replaced by C.
Protein change: p.Gly56Arg; replaces glycine 56 with arginine.
Molecular consequence: missense variant.
Genome position (GRCh38, 1-based): chr5:78,985,083, C>G on the plus strand (G>C on the coding strand, the complement: ARSB is on the minus strand). VCF-style: chr5-78985083-C-G. GRCh37 (hg19) VCF-style: chr5-78280906-C-G.
Other names: c.166G>C, p.Gly56Arg (NM_198709.3); short protein forms G56R.
Identifiers: ClinVar variation 1719832 (VCV001719832.6), dbSNP rs2530669901, ClinGen allele CA360196900.